The following is an entry in ClinVar:

NM_004408.4(DNM1):c.1523AGA[2] (p.Lys510del)

Gene: DNM1 (dynamin 1; plus strand). Cytogenetic location: 9q34.11.
Variant type: Microsatellite.
Coding change: c.1523AGA[2] on transcript NM_004408.4 (MANE Select); two copies in a row of the 3-base unit AGA starting at c.1523; the reference has three copies in a row; one copy, 3 bases deleted.
Protein change: p.Lys510del; deletes lysine 510.
Molecular consequence: inframe deletion.
Genome position (GRCh38, 1-based): chr9:128,239,763-128,239,765, AGA deleted; deleting any 3 consecutive bases within chr9:128,239,756-128,239,765 gives the same sequence; the position shown is the placement nearest the transcript's 3' end. VCF-style (leftmost placement, unchanged base first): chr9-128239755-CAAG-C. GRCh37 (hg19) VCF-style: chr9-131002034-CAAG-C.
Other names: c.1523AGA[2], p.Lys510del (NM_001005336.3, NM_001288737.2, NM_001288738.2 and 2 more transcripts); short protein forms K510del.
Identifiers: ClinVar variation 1055182 (VCV001055182.13), dbSNP rs763633863, ClinGen allele CA5258197.

ClinVar aggregate classification (germline): Uncertain significance (1 of 4 stars; one submission).

Conditions:
Developmental and epileptic encephalopathy, 31A. Also called: Developmental and epileptic encephalopathy, 31; Epileptic encephalopathy, early infantile, 31. Identifiers: Orphanet 2382, MedGen C4225357, MONDO:0014598, OMIM 616346.

Submission:

Labcorp Genetics (formerly Invitae), Labcorp
Classification: Uncertain significance for Developmental and epileptic encephalopathy, 31A. Last evaluated: 2024-10-16. Review status: criteria provided, single submitter. Criteria: Invitae Variant Classification Sherloc (09022015). Collection method: clinical testing. Allele origin: germline.
Comment: This variant, c.1529_1531del, results in the deletion of 1 amino acid(s) of the DNM1 protein (p.Lys510del), but otherwise preserves the integrity of the reading frame. This variant is present in population databases (rs763633863, gnomAD 0.002%). This variant has not been reported in the literature in individuals affected with DNM1-related conditions. Experimental studies and prediction algorithms are not available or were not evaluated, and the functional significance of this variant is currently unknown. In summary, the available evidence is currently insufficient to determine the role of this variant in disease. Therefore, it has been classified as a Variant of Uncertain Significance.